The following is an entry in ClinVar:

NM_001042492.3(NF1):c.5452G>T (p.Glu1818Ter)

Gene: NF1 (neurofibromin 1; plus strand). Cytogenetic location: 17q11.2.
Variant type: single nucleotide variant.
Coding change: c.5452G>T on transcript NM_001042492.3 (MANE Select); coding-DNA position 5452, G replaced by T.
Protein change: p.Glu1818Ter; replaces glutamic acid 1818 with a stop codon.
Molecular consequence: nonsense.
Genome position (GRCh38, 1-based): chr17:31,327,682, G>T. VCF-style: chr17-31327682-G-T. GRCh37 (hg19) VCF-style: chr17-29654700-G-T.
Other names: c.5389G>T, p.Glu1797Ter (NM_000267.4); short protein forms E1818*, E1797*.
Identifiers: ClinVar variation 1455067 (VCV001455067.6), dbSNP rs2151541394, ClinGen allele CA399009477.
Genomic context (GRCh38, chr17:31,327,682, plus strand): 5'-CAGTTCACCTTAACCATTGCAAACCAGGGCACGCCGCTCACCTTCATGCACCAGGAGTGT[G>T]AAGCCATTGTCCAGTCTATCATTCATATCCGGACCCGCTGGGAACTGTCACAGCCCGACT-3'

ClinVar aggregate classification (germline): Pathogenic. Review status: criteria provided, multiple submitters, no conflicts (2 of 4 stars). 2 submissions from 2 submitters: Pathogenic (2). Last evaluated 2023-04-21.

Conditions:
Neurofibromatosis, type 1 (NF1). Also called: Neurofibromatosis, type I; VON RECKLINGHAUSEN DISEASE; NEUROFIBROMATOSIS, TYPE I, SOMATIC; Peripheral type neurofibromatosis. Identifiers: Orphanet 636, MedGen C0027831, MONDO:0018975, OMIM 162200. Disease mechanism: loss of function.

Submissions (2):

Laboratorio de Genética Hospitales Universitarios Virgen de las Nieves y Clínico San Cecilio (Granada, Spain), Hospitales Universitarios Virgen de las Nieves y Clínico San Cecilio (Granada, Spain)
Classification: Pathogenic for Neurofibromatosis, type 1. Last evaluated: 2023-04-21. Review status: criteria provided, single submitter. Criteria: ACMG Guidelines, 2015. Collection method: clinical testing. Allele origin: unknown. Inheritance: Autosomal dominant inheritance. Affected: yes. Observed: 1 variant allele.

Labcorp Genetics (formerly Invitae), Labcorp
Classification: Pathogenic for Neurofibromatosis, type 1. Last evaluated: 2021-10-13. Review status: criteria provided, single submitter. Criteria: Invitae Variant Classification Sherloc (09022015). Collection method: clinical testing. Allele origin: germline.
Comment: This variant has not been reported in the literature in individuals affected with NF1-related conditions. This sequence change creates a premature translational stop signal (p.Glu1797*) in the NF1 gene. It is expected to result in an absent or disrupted protein product. Loss-of-function variants in NF1 are known to be pathogenic (PMID: 10712197, 23913538). This variant is not present in population databases (ExAC no frequency). For these reasons, this variant has been classified as Pathogenic.

Literature cited by the submitters: PubMed 10712197 (cited by Labcorp Genetics (formerly Invitae), Labcorp); PubMed 23913538 (cited by Labcorp Genetics (formerly Invitae), Labcorp).